The following is an entry in ClinVar:

ClinVar aggregate classification (germline): Pathogenic. Review status: criteria provided, multiple submitters, no conflicts (2 of 4 stars). 7 submissions from 7 submitters: Pathogenic (7). Last evaluated 2026-04-09.

Conditions:
Hereditary cancer-predisposing syndrome. Also called: Tumor predisposition; Neoplastic Syndromes, Hereditary; Hereditary Cancer Syndrome; Hereditary neoplastic syndrome. Identifiers: Orphanet 140162, MedGen C0027672, MeSH D009386, MONDO:0015356.
Familial cancer of breast. Also called: Hereditary breast cancer; BREAST CANCER, FAMILIAL; hereditary breast carcinoma. Identifiers: Orphanet 227535, MedGen C0346153, MONDO:0016419, OMIM 114480. Disease mechanism: loss of function.
Malignant tumor of breast. Also called: Malignant breast neoplasm; Cancer breast. Identifiers: MedGen C0006142, MONDO:0007254. Disease mechanism: loss of function.

Submissions (7):

Women's Health and Genetics/Laboratory Corporation of America, LabCorp
Classification: Pathogenic for Malignant tumor of breast. Last evaluated: 2026-04-09. Review status: criteria provided, single submitter. Criteria: LabCorp Variant Classification Summary - May 2015. Collection method: clinical testing. Allele origin: germline.
Comment: Variant summary: CHEK2 c.1434delA (p.Glu479LysfsX3) results in a premature termination codon, predicted to cause a truncation of the encoded protein or absence of the protein due to nonsense mediated decay, which are commonly known mechanisms for disease. The variant was absent in 233796 control chromosomes. c.1434delA has been observed in individuals who were referred for multi-gene cancer panel testing (Leedom_2016). To our knowledge, no experimental evidence demonstrating an impact on protein function has been reported. ClinVar contains an entry for this variant (Variation ID: 185972). Based on the evidence outlined above, the variant was classified as pathogenic.

Labcorp Genetics (formerly Invitae), Labcorp
Classification: Pathogenic for Familial cancer of breast. Last evaluated: 2025-09-14. Review status: criteria provided, single submitter. Criteria: Invitae Variant Classification Sherloc (09022015). Collection method: clinical testing. Allele origin: germline.
Comment: This sequence change creates a premature translational stop signal (p.Glu479Lysfs*3) in the CHEK2 gene. It is expected to result in an absent or disrupted protein product. Loss-of-function variants in CHEK2 are known to be pathogenic (PMID: 21876083, 24713400). This variant is not present in population databases (gnomAD no frequency). This premature translational stop signal has been observed in individual(s) with breast cancer (PMID: 27751358). ClinVar contains an entry for this variant (Variation ID: 185972). For these reasons, this variant has been classified as Pathogenic.

Ambry Genetics
Classification: Pathogenic for Hereditary cancer-predisposing syndrome. Last evaluated: 2024-01-10. Review status: criteria provided, single submitter. Criteria: Ambry Variant Classification Scheme 2023. Collection method: clinical testing. Allele origin: germline.
Comment: The c.1434delA pathogenic mutation, located in coding exon 12 of the CHEK2 gene, results from a deletion of one nucleotide at nucleotide position 1434, causing a translational frameshift with a predicted alternate stop codon (p.E479Kfs*3). This alteration is expected to result in loss of function by premature protein truncation or nonsense-mediated mRNA decay. As such, this alteration is interpreted as a disease-causing mutation.

GeneDx
Classification: Pathogenic. Last evaluated: 2023-08-14. Review status: criteria provided, single submitter. Criteria: GeneDx Variant Classification Process June 2021. Collection method: clinical testing. Allele origin: germline. Affected: yes.
Comment: Frameshift variant predicted to result in protein truncation or nonsense mediated decay in a gene for which loss of function is a known mechanism of disease; Not observed at significant frequency in large population cohorts (gnomAD); This variant is associated with the following publications: (PMID: 32805687, 27751358, 37490054)

Myriad Genetics, Inc.
Classification: Pathogenic for Familial cancer of breast. Last evaluated: 2023-06-28. Review status: criteria provided, single submitter. Criteria: Myriad Autosomal Dominant, Autosomal Recessive and X-Linked Classification Criteria (2023). Collection method: clinical testing. Allele origin: unknown.
Comment: This variant is considered pathogenic. This variant creates a frameshift predicted to result in premature protein truncation.

Baylor Genetics
Classification: Pathogenic for Familial cancer of breast. Last evaluated: 2023-06-21. Review status: criteria provided, single submitter. Criteria: ACMG Guidelines, 2015. Collection method: clinical testing. Allele origin: unknown.

Color Diagnostics, LLC DBA Color Health
Classification: Pathogenic for Hereditary cancer-predisposing syndrome. Last evaluated: 2020-01-15. Review status: criteria provided, single submitter. Criteria: ACMG Guidelines, 2015. Collection method: clinical testing. Allele origin: germline.
Comment: This variant deletes 1 nucleotide in exon 13 of the CHEK2 gene, creating a frameshift and premature translation stop signal. This variant is expected to result in an absent or non-functional protein product. This variant has not been identified in the general population by the Genome Aggregation Database (gnomAD). Loss of CHEK2 function is a known mechanism of disease. Based on the available evidence, this variant is classified as Pathogenic.

Literature cited by the submitters: PubMed 27751358 (cited by 3 submitters); PubMed 21876083 (cited by Labcorp Genetics (formerly Invitae), Labcorp); PubMed 24713400 (cited by Labcorp Genetics (formerly Invitae), Labcorp).

NM_007194.4(CHEK2):c.1434del (p.Glu479fs)

Gene: CHEK2 (checkpoint kinase 2; minus strand). Cytogenetic location: 22q12.1.
Variant type: Deletion.
Coding change: c.1434del on transcript NM_007194.4 (MANE Select); coding-DNA position 1434, one base deleted (A; older notation c.1434delA).
Protein change: p.Glu479fs; shifts the reading frame from glutamic acid 479.
Molecular consequence: frameshift variant.
Genome position (GRCh38, 1-based): chr22:28,694,059, T deleted on the plus strand (A on the coding strand, the reverse complement: CHEK2 is on the minus strand); the first of 2 consecutive T bases (chr22:28,694,059-28,694,060); deleting either gives the same sequence. VCF-style (leftmost placement, unchanged base first): chr22-28694058-CT-C. GRCh37 (hg19) VCF-style: chr22-29090046-CT-C.
Other names: c.1434del (NM_007194.3); c.1562delA, p.Glu522Lysfs (NM_001005735.3); c.770delA, p.Glu258Lysfs (NM_001257387.3); c.1232delA, p.Glu412Lysfs (NM_001349956.3); c.1346delA, p.Glu450Lysfs (NM_145862.3); c.1434delA (NM_007194.4); short protein forms E522fs, E412fs, E479fs, E450fs, E258fs.
Identifiers: ClinVar variation 185972 (VCV000185972.27), dbSNP rs786202601, ClinGen allele CA193533.